The following is an entry in ClinVar:

ClinVar aggregate classification (germline): Uncertain significance (1 of 4 stars; one submission).

Submission:

Labcorp Genetics (formerly Invitae), Labcorp
Classification: Uncertain significance. Last evaluated: 2020-08-15. Review status: criteria provided, single submitter. Criteria: Invitae Variant Classification Sherloc (09022015). Collection method: clinical testing. Allele origin: germline.
Comment: This variant has not been reported in the literature in individuals with CTR9-related conditions. This variant is not present in population databases (ExAC no frequency). This sequence change replaces glycine with aspartic acid at codon 893 of the CTR9 protein (p.Gly893Asp). The glycine residue is moderately conserved and there is a moderate physicochemical difference between glycine and aspartic acid. Algorithms developed to predict the effect of missense changes on protein structure and function (SIFT, PolyPhen-2, Align-GVGD) all suggest that this variant is likely to be tolerated, but these predictions have not been confirmed by published functional studies and their clinical significance is uncertain. In summary, the available evidence is currently insufficient to determine the role of this variant in disease. Therefore, it has been classified as a Variant of Uncertain Significance.

NM_014633.5(CTR9):c.2678G>A (p.Gly893Asp)

Gene: CTR9 (CTR9 component of Paf1/RNA polymerase II complex; plus strand). Cytogenetic location: 11p15.4.
Variant type: single nucleotide variant.
Coding change: c.2678G>A on transcript NM_014633.5 (MANE Select); coding-DNA position 2678, G replaced by A.
Protein change: p.Gly893Asp; replaces glycine 893 with aspartic acid.
Molecular consequence: missense variant.
Genome position (GRCh38, 1-based): chr11:10,773,224, G>A. VCF-style: chr11-10773224-G-A. GRCh37 (hg19) VCF-style: chr11-10794771-G-A.
Other names: c.2606G>A, p.Gly869Asp (NM_001346279.2); short protein forms G869D, G893D.
Identifiers: ClinVar variation 1014170 (VCV001014170.8), dbSNP rs1863172533, ClinGen allele CA379676476.